The following is an entry in ClinVar:

ClinVar aggregate classification (germline): Uncertain significance (1 of 4 stars; one submission).

Conditions:
Shprintzen-Goldberg syndrome (SGS). Also called: SHPRINTZEN-GOLDBERG CRANIOSYNOSTOSIS SYNDROME; CRANIOSYNOSTOSIS WITH ARACHNODACTYLY AND ABDOMINAL HERNIAS; Marfanoid disorder with craniosynostosis type 1; Marfanoid craniosynostosis syndrome; Shprintzen-Goldberg marfanoid syndrome. Identifiers: Orphanet 2462, MedGen C1321551, MONDO:0008426, OMIM 182212.

Allele frequency attached by ClinVar (database versions not stated): TOPMed below 0.00001; gnomAD exomes below 0.00001.
gnomAD v4.1: 5 of 1,546,412 alleles (0.00032%); highest among the groups gnomAD compares: South Asian, 0.0024%; no homozygotes.

Submission:

Labcorp Genetics (formerly Invitae), Labcorp
Classification: Uncertain significance for Shprintzen-Goldberg syndrome. Last evaluated: 2023-03-08. Review status: criteria provided, single submitter. Criteria: Invitae Variant Classification Sherloc (09022015). Collection method: clinical testing. Allele origin: germline.
Comment: This variant is not present in population databases (gnomAD no frequency). This sequence change falls in intron 6 of the SKI gene. It does not directly change the encoded amino acid sequence of the SKI protein. It affects a nucleotide within the consensus splice site. This variant has not been reported in the literature in individuals affected with SKI-related conditions. ClinVar contains an entry for this variant (Variation ID: 532222). Variants that disrupt the consensus splice site are a relatively common cause of aberrant splicing (PMID: 17576681, 9536098). Algorithms developed to predict the effect of sequence changes on RNA splicing suggest that this variant is not likely to affect RNA splicing. In summary, the available evidence is currently insufficient to determine the role of this variant in disease. Therefore, it has been classified as a Variant of Uncertain Significance.

Literature cited by the submitters: PubMed 17576681; PubMed 9536098.

NM_003036.4(SKI):c.1998+6C>T

Gene: SKI (SKI proto-oncogene; plus strand). Cytogenetic location: 1p36.32.
Variant type: single nucleotide variant.
Coding change: c.1998+6C>T on transcript NM_003036.4 (MANE Select); 6 bases into the intron after coding-DNA position 1998, C replaced by T.
Molecular consequence: intron variant.
Genome position (GRCh38, 1-based): chr1:2,306,256, C>T. VCF-style: chr1-2306256-C-T. GRCh37 (hg19) VCF-style: chr1-2237695-C-T.
Identifiers: ClinVar variation 532222 (VCV000532222.8), dbSNP rs1265118842, ClinGen allele CA658795371.